The following is an entry in ClinVar:

NM_014339.7(IL17RA):c.833G>A (p.Arg278His)

Gene: IL17RA (interleukin 17 receptor A; plus strand). Cytogenetic location: 22q11.1.
Variant type: single nucleotide variant.
Coding change: c.833G>A on transcript NM_014339.7 (MANE Select); coding-DNA position 833, G replaced by A.
Protein change: p.Arg278His; replaces arginine 278 with histidine.
Molecular consequence: missense variant.
Genome position (GRCh38, 1-based): chr22:17,103,564, G>A. VCF-style: chr22-17103564-G-A. GRCh37 (hg19) VCF-style: chr22-17584454-G-A.
Other names: c.833G>A, p.Arg278His (NM_001289905.2); short protein forms R278H.
Identifiers: ClinVar variation 785830 (VCV000785830.19), dbSNP rs141467790, ClinGen allele CA10086502.
Genomic context (GRCh38, chr22:17,103,564, plus strand): 5'-AAGAGTTCCACCAGCGATCCAACGTCACACTCACTCTACGCAACCTTAAAGGGTGCTGTC[G>A]CCACCAAGTGCAGGTGGGTGAGTGTGGTGTGGACAGGTGCAGGGAGCAAAACAGGTGGCA-3'
Protein context (NP_055154.3, residues 268-288): LTLRNLKGCC[Arg278His]HQVQIQPFFS

ClinVar aggregate classification (germline): Benign/Likely benign. Review status: criteria provided, multiple submitters, no conflicts (2 of 4 stars). 7 submissions from 7 submitters: Benign (3); Likely benign (1). 3 of the submissions do not count toward it. Last evaluated 2026-02-01.

Conditions:
Immunodeficiency 51 (IMD51). Also called: CANDIDIASIS, FAMILIAL, 5. Identifiers: Orphanet 1334, MedGen C4310803, MONDO:0013500, OMIM 613953.
IL17RA-related disorder. Also called: IL17RA-related condition.

Allele frequency attached by ClinVar (database versions not stated): ESP Exome Variant Server 0.00023; gnomAD exomes 0.00038 and 0.00135; gnomAD 0.00070; TOPMed 0.00109; ExAC 0.00151; 1000 Genomes Project 0.00379; 1000 Genomes Project 30x 0.00390.
gnomAD v4.1: 860 of 1,612,368 alleles (0.053%); highest among the groups gnomAD compares: East Asian, 0.78%; 11 homozygotes.

Submissions (7):

Labcorp Genetics (formerly Invitae), Labcorp
Classification: Benign for Immunodeficiency 51. Last evaluated: 2026-02-01. Review status: criteria provided, single submitter. Criteria: Invitae Variant Classification Sherloc (09022015). Collection method: clinical testing. Allele origin: germline.

Blueprint Genetics
Classification: Likely benign. Last evaluated: 2024-11-26. Review status: criteria provided, single submitter. Criteria: ACMG Guidelines, 2015. Collection method: clinical testing. Allele origin: germline.

Illumina Laboratory Services, Illumina
Classification: Benign for Immunodeficiency 51. Last evaluated: 2018-01-13. Review status: criteria provided, single submitter. Criteria: ICSL Variant Classification Criteria 13 December 2019. Collection method: clinical testing. Allele origin: germline.
Comment: This variant was observed in the ICSL laboratory as part of a predisposition screen in an ostensibly healthy population. It had not been previously curated by ICSL or reported in the Human Gene Mutation Database (HGMD: prior to June 1st, 2018), and was therefore a candidate for classification through an automated scoring system. Utilizing variant allele frequency, disease prevalence and penetrance estimates, and inheritance mode, an automated score was calculated to assess if this variant is too frequent to cause the disease. Based on the score and internal cut-off values, a variant classified as benign is not then subjected to further curation. The score for this variant resulted in a classification of benign for this disease.

Breakthrough Genomics
Classification: Benign. Review status: criteria provided, single submitter. Criteria: ACMG Guidelines, 2015. Collection method: not provided. Allele origin: germline. Inheritance: Autosomal recessive inheritance. Affected: yes.

PreventionGenetics, part of Exact Sciences
Classification: Benign for IL17RA-related condition. Last evaluated: 2024-05-22. Review status: no assertion criteria provided. Collection method: clinical testing. Allele origin: germline. Not counted in ClinVar's aggregate classification.
Comment: This variant is classified as benign based on ACMG/AMP sequence variant interpretation guidelines (Richards et al. 2015 PMID: 25741868, with internal and published modifications).

Clinical Genetics DNA and cytogenetics Diagnostics Lab, Erasmus MC, Erasmus Medical Center
Classification: Benign. Review status: no assertion criteria provided. Collection method: clinical testing. Allele origin: germline. Affected: yes. Study: VKGL Data-share Consensus. Not counted in ClinVar's aggregate classification.

Genome Diagnostics Laboratory, University Medical Center Utrecht
Classification: Likely benign. Review status: no assertion criteria provided. Collection method: clinical testing. Allele origin: germline. Affected: yes. Study: VKGL Data-share Consensus. Not counted in ClinVar's aggregate classification.